The following is an entry in ClinVar:

ClinVar aggregate classification (germline): Uncertain significance. Review status: criteria provided, multiple submitters, no conflicts (2 of 4 stars). 5 submissions from 5 submitters: Uncertain significance (5). Last evaluated 2023-08-18.

Conditions:
Juvenile polyposis syndrome (JPS). Identifiers: Orphanet 2929, MedGen C0345893, MONDO:0017380, OMIM 174900.
Hereditary cancer-predisposing syndrome. Also called: Tumor predisposition; Neoplastic Syndromes, Hereditary; Hereditary Cancer Syndrome; Hereditary neoplastic syndrome. Identifiers: Orphanet 140162, MedGen C0027672, MeSH D009386, MONDO:0015356.
Polyposis syndrome, hereditary mixed, 2. Identifiers: Orphanet 157794, MedGen C1864730, MONDO:0012405, OMIM 610069.

Allele frequency attached by ClinVar (database versions not stated): gnomAD exomes below 0.00001.
gnomAD v4.1: 1 of 1,614,224 alleles (0.000062%); highest among the groups gnomAD compares: Admixed American, 0.0017%; no homozygotes.

Submissions (5):

Baylor Genetics
Classification: Uncertain significance for Polyposis syndrome, hereditary mixed, 2. Last evaluated: 2023-08-18. Review status: criteria provided, single submitter. Criteria: ACMG Guidelines, 2015. Collection method: clinical testing. Allele origin: unknown.

Labcorp Genetics (formerly Invitae), Labcorp
Classification: Uncertain significance for Juvenile polyposis syndrome. Last evaluated: 2023-07-03. Review status: criteria provided, single submitter. Criteria: Invitae Variant Classification Sherloc (09022015). Collection method: clinical testing. Allele origin: germline.
Comment: This sequence change replaces glutamic acid, which is acidic and polar, with lysine, which is basic and polar, at codon 491 of the BMPR1A protein (p.Glu491Lys). This variant is present in population databases (no rsID available, gnomAD 0.003%). This variant has not been reported in the literature in individuals affected with BMPR1A-related conditions. ClinVar contains an entry for this variant (Variation ID: 489689). An algorithm developed to predict the effect of missense changes on protein structure and function (PolyPhen-2) suggests that this variant is likely to be disruptive. In summary, the available evidence is currently insufficient to determine the role of this variant in disease. Therefore, it has been classified as a Variant of Uncertain Significance.

Sema4
Classification: Uncertain significance for Hereditary cancer-predisposing syndrome. Last evaluated: 2021-12-13. Review status: criteria provided, single submitter. Criteria: Sema4 Curation Guidelines. Collection method: curation. Allele origin: germline.
Comment: The BMPR1A c.1471G>A (p.E491K) variant has not been reported in the literature to our knowledge. This variant was observed in 1/34592 chromosomes in the Latino population according to the Genome Aggregation Database (PMID: 32461654). This variant has been reported in ClinVar (Variation ID 489689). Functional studies have not been performed, and in silico predictions of the variant's effect on protein function are inconclusive. The overall evidence is insufficient to meet ACMG/AMP criteria for classifying it as benign or pathogenic. In summary, the clinical significance of this variant is currently uncertain.

Color Diagnostics, LLC DBA Color Health
Classification: Uncertain significance for Hereditary cancer-predisposing syndrome. Last evaluated: 2019-05-16. Review status: criteria provided, single submitter. Criteria: ACMG Guidelines, 2015. Collection method: clinical testing. Allele origin: germline.

Ambry Genetics
Classification: Uncertain significance for Hereditary cancer-predisposing syndrome. Last evaluated: 2019-02-07. Review status: criteria provided, single submitter. Criteria: Ambry Variant Classification Scheme 2023. Collection method: clinical testing. Allele origin: germline.
Comment: The p.E491K variant (also known as c.1471G>A), located in coding exon 10 of the BMPR1A gene, results from a G to A substitution at nucleotide position 1471. The glutamic acid at codon 491 is replaced by lysine, an amino acid with similar properties. This amino acid position is highly conserved in available vertebrate species. In addition, this alteration is predicted to be deleterious by in silico analysis. Since supporting evidence is limited at this time, the clinical significance of this alteration remains unclear.

NM_004329.3(BMPR1A):c.1471G>A (p.Glu491Lys)

Gene: BMPR1A (bone morphogenetic protein receptor type 1A; plus strand). Cytogenetic location: 10q23.2.
Variant type: single nucleotide variant.
Coding change: c.1471G>A on transcript NM_004329.3 (MANE Select); coding-DNA position 1471, G replaced by A.
Protein change: p.Glu491Lys; replaces glutamic acid 491 with lysine.
Molecular consequence: missense variant.
Genome position (GRCh38, 1-based): chr10:86,923,504, G>A. VCF-style: chr10-86923504-G-A. GRCh37 (hg19) VCF-style: chr10-88683261-G-A.
Other names: short protein forms E491K.
Identifiers: ClinVar variation 489689 (VCV000489689.18), dbSNP rs1329735599, ClinGen allele CA377463257.
Genomic context (GRCh38, chr10:86,923,504, plus strand): 5'-CGTGAGGTTGTGTGTGTCAAACGTTTGCGGCCAATTGTGTCTAATCGGTGGAACAGTGAT[G>A]AAGTGAGTGGAACTCAGTCCCCTGAAGAAGTGATTCGTAAATGCCACCAAATATATTCTC-3'
Protein context (NP_004320.2, residues 481-501): PIVSNRWNSD[Glu491Lys]CLRAVLKLMS